The following is an entry in ClinVar:

ClinVar aggregate classification (germline): Likely benign. Review status: criteria provided, multiple submitters, no conflicts (2 of 4 stars). 2 submissions from 2 submitters: Likely benign (2). Last evaluated 2026-08-01.

gnomAD v4.1: 7 of 1,590,594 alleles (0.00044%); highest among the groups gnomAD compares: Middle Eastern, 0.017%; no homozygotes.

Submissions (2):

CeGaT Center for Human Genetics Tuebingen
Classification: Likely benign. Last evaluated: 2026-08-01. Review status: criteria provided, single submitter. Criteria: CeGaT Center For Human Genetics Tuebingen Variant Classification Criteria Version 2. Collection method: clinical testing. Allele origin: germline. Affected: yes. Observed: 1 variant allele.
Comment: COL18A1: BP4, BP7

Labcorp Genetics (formerly Invitae), Labcorp
Classification: Likely benign. Last evaluated: 2024-08-14. Review status: criteria provided, single submitter. Criteria: Invitae Variant Classification Sherloc (09022015). Collection method: clinical testing. Allele origin: germline.

NM_001379500.1(COL18A1):c.2964C>G (p.Gly988=)

Genes: COL18A1 (collagen type XVIII alpha 1 chain; plus strand), SLC19A1 (solute carrier family 19 member 1; minus strand). Cytogenetic location: 21q22.3.
Variant type: single nucleotide variant.
Coding change: c.2964C>G on transcript NM_001379500.1 (MANE Select); coding-DNA position 2964, C replaced by G.
Protein change: p.Gly988=; no amino-acid change (glycine 988 retained).
Molecular consequence: synonymous variant.
Genome position (GRCh38, 1-based): chr21:45,505,229, C>G. VCF-style: chr21-45505229-C-G. GRCh37 (hg19) VCF-style: chr21-46925143-C-G.
Other names: c.3495C>G, p.Gly1165= (NM_030582.4); c.4200C>G, p.Gly1400= (NM_130444.3).
Identifiers: ClinVar variation 1906342 (VCV001906342.6), dbSNP rs765397052, ClinGen allele CA321921468.
Genomic context (GRCh38, chr21:45,505,229, plus strand): 5'-CCCACCTGGACCTCAGGGACCCCCCGGCATCGGCTACGAGGGGCGCCAGGGCCCTCCCGG[C>G]CCCCCAGGCCCCCCAGGGCCCCCTTCATTTCCTGGCCCTCACAGGCAGAGTAAGTCAGTG-3'
Protein context (NP_001366429.1, residues 978-998): IGYEGRQGPP[Gly988=]PPGPPGPPSF